The following is an entry in ClinVar:

ClinVar aggregate classification (germline): Pathogenic (1 of 4 stars; one submission).

Conditions:
Breast-ovarian cancer, familial, susceptibility to, 3. Also called: RAD51C-Related Breast/Ovarian Cancer. Identifiers: Orphanet 145, MedGen C3150659, MONDO:0013253, OMIM 613399.

Submission:

Myriad Genetics, Inc.
Classification: Pathogenic for Breast-ovarian cancer, familial, susceptibility to, 3. Last evaluated: 2024-01-02. Review status: criteria provided, single submitter. Criteria: Myriad Autosomal Dominant, Autosomal Recessive and X-Linked Classification Criteria (2023). Collection method: clinical testing. Allele origin: unknown.
Comment: This variant is considered pathogenic. This variant creates a frameshift predicted to result in premature protein truncation.

NM_058216.3(RAD51C):c.402dup (p.Cys135fs)

Gene: RAD51C (RAD51 paralog C; plus strand). Cytogenetic location: 17q22.
Variant type: Duplication.
Coding change: c.402dup on transcript NM_058216.3 (MANE Select); coding-DNA position 402, one base duplicated (A; older notation c.402dupA).
Protein change: p.Cys135fs; shifts the reading frame from cysteine 135.
Molecular consequence: frameshift variant. On other transcripts: stop lost (1), non-coding transcript variant (2).
Genome position (GRCh38, 1-based): chr17:58,695,187, A duplicated. VCF-style (leftmost placement, unchanged base first): chr17-58695186-T-TA. GRCh37 (hg19) VCF-style: chr17-56772547-T-TA.
Other names: c.402dup, p.Trp135fs (NM_002876.4); c.402dup, p.Ter135Metfs (NM_058217.1); short protein forms W135fs, C135fs.
Identifiers: ClinVar variation 3148310 (VCV003148310.1), dbSNP rs2509276500, ClinGen allele CA2825002562.